The following is an entry in ClinVar:

NM_001376.5(DYNC1H1):c.13516-5C>T

Gene: DYNC1H1 (dynein cytoplasmic 1 heavy chain 1; plus strand). Cytogenetic location: 14q32.31.
Variant type: single nucleotide variant.
Coding change: c.13516-5C>T on transcript NM_001376.5 (MANE Select); 5 bases into the intron before coding-DNA position 13516, C replaced by T.
Molecular consequence: intron variant.
Genome position (GRCh38, 1-based): chr14:102,049,709, C>T. VCF-style: chr14-102049709-C-T. GRCh37 (hg19) VCF-style: chr14-102516046-C-T.
Other names: c.13516-5C>T (NM_001376.4).
Identifiers: ClinVar variation 2189290 (VCV002189290.6), dbSNP rs774351913, ClinGen allele CA7354283.

ClinVar aggregate classification (germline): Conflicting classifications of pathogenicity. Review status: criteria provided, conflicting classifications (1 of 4 stars). 2 submissions from 2 submitters: Uncertain significance (1); Likely benign (1). Last evaluated 2025-10-08.

Conditions:
Charcot-Marie-Tooth disease axonal type 2O. Also called: CHARCOT-MARIE-TOOTH NEUROPATHY, AXONAL, TYPE 2O; CHARCOT-MARIE-TOOTH DISEASE, AXONAL, AUTOSOMAL DOMINANT, TYPE 2O; Charcot-Marie-Tooth Neuropathy Type 2O; Charcot-Marie-Tooth disease, axonal, type 20. Identifiers: Orphanet 284232, MedGen C3280220, MONDO:0013644, OMIM 614228.
Inborn genetic diseases. Identifiers: MedGen C0950123, MeSH D030342.

Allele frequency attached by ClinVar (database versions not stated): gnomAD exomes below 0.00001; ExAC 0.00001; gnomAD 0.00001.
gnomAD v4.1: 7 of 1,613,792 alleles (0.00043%); highest among the groups gnomAD compares: Middle Eastern, 0.016%; no homozygotes.

Submissions (2):

Ambry Genetics
Classification: Uncertain significance for Inborn genetic diseases. Last evaluated: 2025-10-08. Review status: criteria provided, single submitter. Criteria: Ambry Variant Classification Scheme 2023. Collection method: clinical testing. Allele origin: germline.
Comment: The c.13516-5C>T intronic alteration consists of a C to T substitution 5 nucleotides before coding exon 76 in the DYNC1H1 gene. Based on data from gnomAD, the T allele has an overall frequency of <0.001% (1/250690) total alleles studied. The highest observed frequency was 0.003% (1/30602) of South Asian alleles. Based on insufficient or conflicting evidence, the clinical significance of this alteration remains unclear.

Labcorp Genetics (formerly Invitae), Labcorp
Classification: Likely benign for Charcot-Marie-Tooth disease axonal type 2O. Last evaluated: 2025-07-02. Review status: criteria provided, single submitter. Criteria: Invitae Variant Classification Sherloc (09022015). Collection method: clinical testing. Allele origin: germline.